The following is an entry in ClinVar:

ClinVar aggregate classification (germline): Pathogenic/Likely pathogenic. Review status: criteria provided, multiple submitters, no conflicts (2 of 4 stars). 2 submissions from 2 submitters: Pathogenic (1); Likely pathogenic (1). Last evaluated 2025-11-09.

Conditions:
Febrile seizures, familial, 8 (FEB8). Also called: CONVULSIONS, FAMILIAL FEBRILE, 8. Identifiers: Orphanet 36387, MedGen C1969810, MONDO:0011891, OMIM 607681.
EPILEPSY, CHILDHOOD ABSENCE, SUSCEPTIBILITY TO, 2 (ECA2). Identifiers: Orphanet 64280, MedGen C1843244, OMIM 607681.

Submissions (2):

Labcorp Genetics (formerly Invitae), Labcorp
Classification: Pathogenic for Febrile seizures, familial, 8; EPILEPSY, CHILDHOOD ABSENCE, SUSCEPTIBILITY TO, 2. Last evaluated: 2025-11-09. Review status: criteria provided, single submitter. Criteria: Invitae Variant Classification Sherloc (09022015). Collection method: clinical testing. Allele origin: germline.
Comment: This sequence change creates a premature translational stop signal (p.Trp429*) in the GABRG2 gene. While this is not anticipated to result in nonsense mediated decay, it is expected to disrupt the last 39 amino acid(s) of the GABRG2 protein. This variant is not present in population databases (gnomAD no frequency). This premature translational stop signal has been observed in individual(s) with GABRG2-related conditions (PMID: 18566737). It has also been observed to segregate with disease in related individuals. ClinVar contains an entry for this variant (Variation ID: 2578988). For these reasons, this variant has been classified as Pathogenic.

CeGaT Center for Human Genetics Tuebingen
Classification: Likely pathogenic. Last evaluated: 2023-08-01. Review status: criteria provided, single submitter. Criteria: CeGaT Center For Human Genetics Tuebingen Variant Classification Criteria Version 2. Collection method: clinical testing. Allele origin: germline. Affected: yes. Observed: 1 variant allele.
Comment: GABRG2: PVS1:Strong, PM2, PS3:Supporting

Literature cited by the submitters: PubMed 18566737 (cited by Labcorp Genetics (formerly Invitae), Labcorp).

NM_198904.4(GABRG2):c.1310G>A (p.Trp437Ter)

Gene: GABRG2 (gamma-aminobutyric acid type A receptor subunit gamma2; plus strand). Cytogenetic location: 5q34.
Variant type: single nucleotide variant.
Coding change: c.1310G>A on transcript NM_198904.4 (MANE Select); coding-DNA position 1310, G replaced by A.
Protein change: p.Trp437Ter; replaces tryptophan 437 with a stop codon.
Molecular consequence: nonsense. On other transcripts: 3 prime UTR variant (1).
Genome position (GRCh38, 1-based): chr5:162,153,250, G>A. VCF-style: chr5-162153250-G-A. GRCh37 (hg19) VCF-style: chr5-161580256-G-A.
Other names: c.1286G>A, p.Trp429Ter (NM_000816.3); c.1301G>A, p.Trp434Ter (NM_001375339.1); c.*144G>A (NM_001375340.1); c.1307G>A, p.Trp436Ter (NM_001375341.1); c.1283G>A, p.Trp428Ter (NM_001375342.1); c.1406G>A, p.Trp469Ter (NM_001375343.1); c.1349G>A, p.Trp450Ter (NM_001375344.1); c.1220G>A, p.Trp407Ter (NM_001375345.1); and 6 more; short protein forms W289*, W297*, W334*, W407*, W408*, W415*, W428*, W429*.
Identifiers: ClinVar variation 2578988 (VCV002578988.26), dbSNP rs2532775398, ClinGen allele CA362183763.